The following is an entry in ClinVar:

ClinVar aggregate classification (germline): Pathogenic (1 of 4 stars; one submission).

Conditions:
Inborn genetic diseases. Identifiers: MedGen C0950123, MeSH D030342.

Submission:

Ambry Genetics
Classification: Pathogenic for Inborn genetic diseases. Last evaluated: 2021-08-24. Review status: criteria provided, single submitter. Criteria: Ambry Variant Classification Scheme 2023. Collection method: clinical testing. Allele origin: germline.
Comment: The c.1044delC (p.C349Afs*36) alteration, located in exon 11 (coding exon 11) of the CTSA gene, consists of a deletion of one nucleotide at position 1044, causing a translational frameshift with a predicted alternate stop codon after 36 amino acids. This alteration is expected to result in loss of function by premature protein truncation or nonsense-mediated mRNA decay. Based on the available evidence, this alteration is classified as pathogenic.

NM_000308.4(CTSA):c.990del (p.Cys331fs)

Gene: CTSA (cathepsin A; plus strand). Cytogenetic location: 20q13.12.
Variant type: Deletion.
Coding change: c.990del on transcript NM_000308.4 (MANE Select); coding-DNA position 990, one base deleted (C; older notation c.990delC).
Protein change: p.Cys331fs; shifts the reading frame from cysteine 331.
Molecular consequence: frameshift variant. On other transcripts: non-coding transcript variant (1).
Genome position (GRCh38, 1-based): chr20:45,895,035, C deleted; the last of 7 consecutive C bases (chr20:45,895,029-45,895,035); deleting any one gives the same sequence. VCF-style (leftmost placement, unchanged base first): chr20-45895028-AC-A. GRCh37 (hg19) VCF-style: chr20-44523667-AC-A.
Other names: c.990del, p.Cys331fs (NM_001127695.3); c.939del, p.Cys314fs (NM_001167594.3); short protein forms C314fs, C331fs.
Identifiers: ClinVar variation 2236616 (VCV002236616.3), dbSNP rs758642867, ClinGen allele CA9883236.